The following is an entry in ClinVar:

ClinVar aggregate classification (germline): Conflicting classifications of pathogenicity. Review status: criteria provided, conflicting classifications (1 of 4 stars). 2 submissions from 2 submitters: Likely pathogenic (1); Uncertain significance (1). Last evaluated 2021-02-13.

Conditions:
Multiple congenital exostosis (EXT). Also called: Hereditary multiple osteochondromas; Multiple exostoses; Multiple osteochondromas; Hereditary multiple exostoses; Hereditary multiple exostosis; MULTIPLE CARTILAGINOUS EXOSTOSES. Identifiers: Orphanet 321, MedGen C0015306, MONDO:0005508, HP:0002762.

Submissions (2):

Labcorp Genetics (formerly Invitae), Labcorp
Classification: Likely pathogenic for Multiple congenital exostosis. Last evaluated: 2021-02-13. Review status: criteria provided, single submitter. Criteria: Invitae Variant Classification Sherloc (09022015). Collection method: clinical testing. Allele origin: germline.
Comment: Advanced modeling of protein sequence and biophysical properties (such as structural, functional, and spatial information, amino acid conservation, physicochemical variation, residue mobility, and thermodynamic stability) performed at Invitae indicates that this missense variant is expected to disrupt EXT1 protein function. In summary, the currently available evidence indicates that the variant is pathogenic, but additional data are needed to prove that conclusively. Therefore, this variant has been classified as Likely Pathogenic. This sequence change replaces proline with arginine at codon 357 of the EXT1 protein (p.Pro357Arg). The proline residue is highly conserved and there is a moderate physicochemical difference between proline and arginine. This variant is not present in population databases (ExAC no frequency). This variant has been observed in individual(s) with clinical features of hereditary multiple osteochondromas (Invitae). ClinVar contains an entry for this variant (Variation ID: 429353).

GeneDx
Classification: Uncertain significance. Last evaluated: 2017-05-05. Review status: criteria provided, single submitter. Criteria: GeneDx Variant Classification (06012015). Collection method: clinical testing. Allele origin: germline. Affected: yes.
Comment: The P357R variant in the EXT1 gene has not been published as a pathogenic variant, nor has it been reported as a benign variant to our knowledge. This variant is not observed in large population cohorts (Lek et al., 2016; 1000 Genomes Consortium et al., 2015; Exome Variant Server). The P357R variant is a non-conservative amino acid substitution, which is likely to impact secondary protein structure as these residues differ in polarity, charge, size and/or other properties. This substitution occurs at a position that is conserved across species, and in silico analysis predicts this variant is probably damaging to the protein structure/function. Based on the currently available information, it is unclear whether P357R is a pathogenic variant or a rare benign variant. We consider it to be a variant of uncertain significance.

NM_000127.3(EXT1):c.1070C>G (p.Pro357Arg)

Gene: EXT1 (exostosin glycosyltransferase 1; minus strand). Cytogenetic location: 8q24.11.
Variant type: single nucleotide variant.
Coding change: c.1070C>G on transcript NM_000127.3 (MANE Select); coding-DNA position 1070, C replaced by G.
Protein change: p.Pro357Arg; replaces proline 357 with arginine.
Molecular consequence: missense variant.
Genome position (GRCh38, 1-based): chr8:117,835,538, G>C on the plus strand (C>G on the coding strand, the complement: EXT1 is on the minus strand). VCF-style: chr8-117835538-G-C. GRCh37 (hg19) VCF-style: chr8-118847777-G-C.
Other names: short protein forms P357R.
Identifiers: ClinVar variation 429353 (VCV000429353.9), dbSNP rs1131691337, ClinGen allele CA371892714.